The following is an entry in ClinVar:

NM_002691.4(POLD1):c.683A>C (p.Glu228Ala)

Gene: POLD1 (DNA polymerase delta 1, catalytic subunit; plus strand). Cytogenetic location: 19q13.33.
Variant type: single nucleotide variant.
Coding change: c.683A>C on transcript NM_002691.4 (MANE Select); coding-DNA position 683, A replaced by C.
Protein change: p.Glu228Ala; replaces glutamic acid 228 with alanine.
Molecular consequence: missense variant. On other transcripts: non-coding transcript variant (1).
Genome position (GRCh38, 1-based): chr19:50,402,298, A>C. VCF-style: chr19-50402298-A-C. GRCh37 (hg19) VCF-style: chr19-50905555-A-C.
Other names: c.683A>C, p.Glu228Ala (NM_001256849.1, NM_001308632.1, NM_001438210.1 and 3 more transcripts); short protein forms E228A.
Identifiers: ClinVar variation 4741174 (VCV004741174.1).

ClinVar aggregate classification (germline): Uncertain significance (1 of 4 stars; one submission).

Conditions:
POLD1-related polyposis and colorectal cancer syndrome (CRCS10). Also called: COLORECTAL CANCER, SUSCEPTIBILITY TO, ON CHROMOSOME 19q; Colorectal cancer 10; Colorectal cancer, susceptibility to, 10. Identifiers: Orphanet 220460, MedGen C2675481, MONDO:0012953, OMIM 612591.

Submission:

Labcorp Genetics (formerly Invitae), Labcorp
Classification: Uncertain significance for POLD1-related polyposis and colorectal cancer syndrome. Last evaluated: 2025-11-15. Review status: criteria provided, single submitter. Criteria: Invitae Variant Classification Sherloc (09022015). Collection method: clinical testing. Allele origin: germline.
Comment: This sequence change replaces glutamic acid, which is acidic and polar, with alanine, which is neutral and non-polar, at codon 228 of the POLD1 protein (p.Glu228Ala). This variant is not present in population databases (gnomAD no frequency). This variant has not been reported in the literature in individuals affected with POLD1-related conditions. Invitae Evidence Modeling of protein sequence and biophysical properties (such as structural, functional, and spatial information, amino acid conservation, physicochemical variation, residue mobility, and thermodynamic stability) indicates that this missense variant is not expected to disrupt POLD1 protein function with a negative predictive value of 80%. In summary, the available evidence is currently insufficient to determine the role of this variant in disease. Therefore, it has been classified as a Variant of Uncertain Significance.